The following is an entry in ClinVar:

ClinVar aggregate classification (germline): Uncertain significance (1 of 4 stars; one submission).

Conditions:
CHARGE syndrome (CHARGE). Also called: Hittner Hirsch Kreh syndrome; CHARGE ASSOCIATION--COLOBOMA, HEART ANOMALY, CHOANAL ATRESIA, RETARDATION, GENITAL AND EAR ANOMALIES; Coloboma, heart anomaly, choanal atresia, retardation, genital and ear anomalies; CHARGE association; Hall-Hittner syndrome. Identifiers: Orphanet 138, MedGen C0265354, MONDO:0008965.

Submission:

Labcorp Genetics (formerly Invitae), Labcorp
Classification: Uncertain significance for CHARGE syndrome. Last evaluated: 2024-10-24. Review status: criteria provided, single submitter. Criteria: Invitae Variant Classification Sherloc (09022015). Collection method: clinical testing. Allele origin: germline.
Comment: This sequence change replaces asparagine, which is neutral and polar, with isoleucine, which is neutral and non-polar, at codon 630 of the CHD7 protein (p.Asn630Ile). This variant is not present in population databases (gnomAD no frequency). This variant has not been reported in the literature in individuals affected with CHD7-related conditions. Invitae Evidence Modeling of protein sequence and biophysical properties (such as structural, functional, and spatial information, amino acid conservation, physicochemical variation, residue mobility, and thermodynamic stability) indicates that this missense variant is not expected to disrupt CHD7 protein function with a negative predictive value of 95%. In summary, the available evidence is currently insufficient to determine the role of this variant in disease. Therefore, it has been classified as a Variant of Uncertain Significance.

NM_017780.4(CHD7):c.1889A>T (p.Asn630Ile)

Genes: CHD7 (chromodomain helicase DNA binding protein 7; plus strand), LOC126860403 (CDK7 strongly-dependent group 2 enhancer GRCh37_chr8:61693034-61694233; plus strand). Cytogenetic location: 8q12.2.
Variant type: single nucleotide variant.
Coding change: c.1889A>T on transcript NM_017780.4 (MANE Select); coding-DNA position 1889, A replaced by T.
Protein change: p.Asn630Ile; replaces asparagine 630 with isoleucine.
Molecular consequence: missense variant. On other transcripts: intron variant (1).
Genome position (GRCh38, 1-based): chr8:60,781,223, A>T. VCF-style: chr8-60781223-A-T. GRCh37 (hg19) VCF-style: chr8-61693782-A-T.
Other names: c.1716+173A>T (NM_001316690.1); short protein forms N630I.
Identifiers: ClinVar variation 3637092 (VCV003637092.2).
Genomic context (GRCh38, chr8:60,781,223, plus strand): 5'-ATCCCAGTAAAGGTTTTGGTAAAGATGACTTCCCTGGTGGGGTAGATAACCAAGAACTAA[A>T]TAGGAACTCACTGGATGGGTCCCAAGAAGAAAAAAAGAAAAAGAAAAGGTCAAAGGCAAA-3'
Protein context (NP_060250.2, residues 620-640): FPGGVDNQEL[Asn630Ile]RNSLDGSQEE